The following is an entry in ClinVar:

ClinVar aggregate classification (germline): Uncertain significance (1 of 4 stars; one submission).

Conditions:
Immunodeficiency, common variable, 10. Also called: IMMUNODEFICIENCY, COMMON VARIABLE, WITH CENTRAL ADRENAL INSUFFICIENCY; DEFICIT IN ANTERIOR PITUITARY FUNCTION AND VARIABLE IMMUNODEFICIENCY. Identifiers: MedGen C3809991, MONDO:0014260, OMIM 615577.

Allele frequency attached by ClinVar (database versions not stated): gnomAD 0.00001.

Submission:

Labcorp Genetics (formerly Invitae), Labcorp
Classification: Uncertain significance for Immunodeficiency, common variable, 10. Last evaluated: 2023-08-04. Review status: criteria provided, single submitter. Criteria: Invitae Variant Classification Sherloc (09022015). Collection method: clinical testing. Allele origin: germline.
Comment: In summary, the available evidence is currently insufficient to determine the role of this variant in disease. Therefore, it has been classified as a Variant of Uncertain Significance. Algorithms developed to predict the effect of missense changes on protein structure and function output the following: SIFT: "Not Available"; PolyPhen-2: "Benign"; Align-GVGD: "Not Available". The glutamic acid amino acid residue is found in multiple mammalian species, which suggests that this missense change does not adversely affect protein function. ClinVar contains an entry for this variant (Variation ID: 2166209). This variant has not been reported in the literature in individuals affected with NFKB2-related conditions. This variant is not present in population databases (gnomAD no frequency). This sequence change replaces aspartic acid, which is acidic and polar, with glutamic acid, which is acidic and polar, at codon 16 of the NFKB2 protein (p.Asp16Glu).

NM_001322934.2(NFKB2):c.48T>G (p.Asp16Glu)

Genes: NFKB2 (nuclear factor kappa B subunit 2; plus strand), LOC130004598 (ATAC-STARR-seq lymphoblastoid active region 3929; plus strand). Cytogenetic location: 10q24.32.
Variant type: single nucleotide variant.
Coding change: c.48T>G on transcript NM_001322934.2 (MANE Select); coding-DNA position 48, T replaced by G.
Protein change: p.Asp16Glu; replaces aspartic acid 16 with glutamic acid.
Molecular consequence: missense variant.
Genome position (GRCh38, 1-based): chr10:102,396,279, T>G. VCF-style: chr10-102396279-T-G. GRCh37 (hg19) VCF-style: chr10-104156036-T-G.
Other names: c.48T>G, p.Asp16Glu (NM_001077493.1, NM_001077494.3, NM_001261403.3 and 3 more transcripts); short protein forms D16E.
Identifiers: ClinVar variation 2166209 (VCV002166209.4), dbSNP rs774734354, ClinGen allele CA377895785.